The following is an entry in ClinVar:

NM_004656.4(BAP1):c.1574C>G (p.Ser525Cys)

Gene: BAP1 (BRCA1 associated deubiquitinase 1; minus strand). Cytogenetic location: 3p21.1.
Variant type: single nucleotide variant.
Coding change: c.1574C>G on transcript NM_004656.4 (MANE Select); coding-DNA position 1574, C replaced by G.
Protein change: p.Ser525Cys; replaces serine 525 with cysteine.
Molecular consequence: missense variant.
Genome position (GRCh38, 1-based): chr3:52,403,571, G>C on the plus strand (C>G on the coding strand, the complement: BAP1 is on the minus strand). VCF-style: chr3-52403571-G-C. GRCh37 (hg19) VCF-style: chr3-52437587-G-C.
Other names: c.1520C>G, p.Ser507Cys (NM_001410772.1); short protein forms S507C, S525C.
Identifiers: ClinVar variation 3260363 (VCV003260363.1).
Genomic context (GRCh38, chr3:52,403,571, plus strand): 5'-CGTATGCAGTCAACACGCAGCAGGCTGTCATCCTCTCCAAAAAGCACCTTGGAGATGTGG[G>C]AGGTGACAGGGCTGGAGGGCCGCGTCGGGTTGGCTGAGCGGATAGGCGAGCGCAGTGGCG-3'
Protein context (NP_004647.1, residues 515-535): NPTRPSSPVT[Ser525Cys]HISKVLFGED

ClinVar aggregate classification (germline): Uncertain significance (1 of 4 stars; one submission).

Conditions:
Hereditary cancer-predisposing syndrome. Also called: Hereditary Cancer Syndrome; Tumor predisposition; Hereditary neoplastic syndrome; Neoplastic Syndromes, Hereditary. Identifiers: Orphanet 140162, MedGen C0027672, MeSH D009386, MONDO:0015356.

Submission:

Ambry Genetics
Classification: Uncertain significance for Hereditary cancer-predisposing syndrome. Last evaluated: 2024-06-11. Review status: criteria provided, single submitter. Criteria: Ambry Variant Classification Scheme 2023. Collection method: clinical testing. Allele origin: germline.
Comment: The p.S525C variant (also known as c.1574C>G), located in coding exon 13 of the BAP1 gene, results from a C to G substitution at nucleotide position 1574. The serine at codon 525 is replaced by cysteine, an amino acid with dissimilar properties. This amino acid position is well conserved in available vertebrate species. In addition, this alteration is predicted to be tolerated by in silico analysis. Based on the available evidence, the clinical significance of this variant remains unclear.